The following is an entry in ClinVar:

ClinVar aggregate classification (germline): Pathogenic (1 of 4 stars; one submission).

Conditions:
Autosomal recessive nonsyndromic hearing loss 77. Identifiers: Orphanet 90636, MedGen C2746083, MONDO:0013119, OMIM 613079.

Submission:

Myriad Genetics, Inc.
Classification: Pathogenic for Autosomal recessive nonsyndromic hearing loss 77. Last evaluated: 2024-06-18. Review status: criteria provided, single submitter. Criteria: Myriad Autosomal Dominant, Autosomal Recessive and X-Linked Classification Criteria (2023). Collection method: clinical testing. Allele origin: unknown.
Comment: NM_144612.6(LOXHD1):c.2011G>T(E671*) is expected to be pathogenic in the context of nonsyndromic hearing loss, LOXHD1-related. This variant is predicted to lead to an abnormal or absent protein product due to the creation of a premature termination codon in LOXHD1, a gene where loss-of-function variants are known to be pathogenic. Please note: this variant was assessed in the context of healthy population screening.

NM_001384474.1(LOXHD1):c.2011G>T (p.Glu671Ter)

Gene: LOXHD1 (lipoxygenase homology PLAT domains 1; minus strand). Cytogenetic location: 18q21.1.
Variant type: single nucleotide variant.
Coding change: c.2011G>T on transcript NM_001384474.1 (MANE Select); coding-DNA position 2011, G replaced by T.
Protein change: p.Glu671Ter; replaces glutamic acid 671 with a stop codon.
Molecular consequence: nonsense.
Genome position (GRCh38, 1-based): chr18:46,572,122, C>A on the plus strand (G>T on the coding strand, the complement: LOXHD1 is on the minus strand). VCF-style: chr18-46572122-C-A. GRCh37 (hg19) VCF-style: chr18-44152085-C-A.
Other names: c.2011G>T, p.Glu671Ter (NM_144612.7); short protein forms E671*.
Identifiers: ClinVar variation 5013194 (VCV005013194.1).
Genomic context (GRCh38, chr18:46,572,122, plus strand): 5'-CACCTGGTCATCAGGACAACTCACTCTTCAGTGTCGCGCTGCTGTCACTGGGTAGCAACT[C>A]TCGGACCAGCTGCCCATCATCCTTATCCTTGTCCAACCACCTGGTGGGCAAATGGGGGAA-3'